The following is an entry in ClinVar:

NM_024422.6(DSC2):c.2515T>C (p.Tyr839His)

Gene: DSC2 (desmocollin 2; minus strand). Cytogenetic location: 18q12.1.
Variant type: single nucleotide variant.
Coding change: c.2515T>C on transcript NM_024422.6 (MANE Select); coding-DNA position 2515, T replaced by C.
Protein change: p.Tyr839His; replaces tyrosine 839 with histidine.
Molecular consequence: missense variant. On other transcripts: 3 prime UTR variant (2).
Genome position (GRCh38, 1-based): chr18:31,068,206, A>G on the plus strand (T>C on the coding strand, the complement: DSC2 is on the minus strand). VCF-style: chr18-31068206-A-G. GRCh37 (hg19) VCF-style: chr18-28648172-A-G.
Other names: c.2086T>C, p.Tyr696His (NM_001406506.1); c.*17T>C (NM_001406507.1, NM_004949.5); short protein forms Y696H, Y839H.
Identifiers: ClinVar variation 4822538 (VCV004822538.4).

ClinVar aggregate classification (germline): Likely benign (1 of 4 stars; one submission).

Submission:

CeGaT Center for Human Genetics Tuebingen
Classification: Likely benign. Last evaluated: 2026-03-01. Review status: criteria provided, single submitter. Criteria: CeGaT Center For Human Genetics Tuebingen Variant Classification Criteria Version 2. Collection method: clinical testing. Allele origin: germline. Affected: yes. Observed: 2 variant alleles.
Comment: DSC2: PM2:Supporting, BP4, BP7